The following is an entry in ClinVar:

NM_004991.4(MECOM):c.1453C>A (p.Pro485Thr)

Gene: MECOM (MDS1 and EVI1 complex locus; minus strand). Cytogenetic location: 3q26.2.
Variant type: single nucleotide variant.
Coding change: c.1453C>A on transcript NM_004991.4 (MANE Select); coding-DNA position 1453, C replaced by A.
Protein change: p.Pro485Thr; replaces proline 485 with threonine.
Molecular consequence: missense variant. On other transcripts: intron variant (2).
Genome position (GRCh38, 1-based): chr3:169,116,419, G>T on the plus strand (C>A on the coding strand, the complement: MECOM is on the minus strand). VCF-style: chr3-169116419-G-T. GRCh37 (hg19) VCF-style: chr3-168834207-G-T.
Other names: c.1084C>A, p.Pro362Thr (NM_001105077.4); c.889C>A, p.Pro297Thr (NM_001105078.4, NM_001164000.2, NM_001205194.2 and 4 more transcripts); c.892C>A, p.Pro298Thr (NM_001163999.2, NM_001366467.2, NM_001366468.2 and 1 more transcripts); c.1453C>A, p.Pro485Thr (NM_001366466.2); c.1133-652C>A (NM_001366473.2); c.569-652C>A (NM_001366474.2); short protein forms P485T, P362T, P297T, P298T.
Identifiers: ClinVar variation 2048499 (VCV002048499.4), dbSNP rs1729171629, ClinGen allele CA355062338.

ClinVar aggregate classification (germline): Uncertain significance (1 of 4 stars; one submission).

Submission:

Labcorp Genetics (formerly Invitae), Labcorp
Classification: Uncertain significance. Last evaluated: 2022-02-06. Review status: criteria provided, single submitter. Criteria: Invitae Variant Classification Sherloc (09022015). Collection method: clinical testing. Allele origin: germline.
Comment: In summary, the available evidence is currently insufficient to determine the role of this variant in disease. Therefore, it has been classified as a Variant of Uncertain Significance. Algorithms developed to predict the effect of missense changes on protein structure and function are either unavailable or do not agree on the potential impact of this missense change (SIFT: "Deleterious"; PolyPhen-2: "Benign"; Align-GVGD: "Class C35"). This variant has not been reported in the literature in individuals affected with MECOM-related conditions. This variant is not present in population databases (gnomAD no frequency). This sequence change replaces proline, which is neutral and non-polar, with threonine, which is neutral and polar, at codon 297 of the MECOM protein (p.Pro297Thr).